The following is an entry in ClinVar:

NM_001349206.2(LPIN1):c.2680T>A (p.Ser894Thr)

Gene: LPIN1 (lipin 1; plus strand). Cytogenetic location: 2p25.1.
Variant type: single nucleotide variant.
Coding change: c.2680T>A on transcript NM_001349206.2 (MANE Select); coding-DNA position 2680, T replaced by A.
Protein change: p.Ser894Thr; replaces serine 894 with threonine.
Molecular consequence: missense variant. On other transcripts: non-coding transcript variant (1).
Genome position (GRCh38, 1-based): chr2:11,824,690, T>A. VCF-style: chr2-11824690-T-A. GRCh37 (hg19) VCF-style: chr2-11964816-T-A.
Other names: c.2590T>A, p.Ser864Thr (NM_001261427.3); c.2827T>A, p.Ser943Thr (NM_001261428.3); c.2572T>A, p.Ser858Thr (NM_001349199.2, NM_145693.4); c.2650T>A, p.Ser884Thr (NM_001349200.2, NM_001349201.2); c.2677T>A, p.Ser893Thr (NM_001349202.2, NM_001349203.2); c.2680T>A, p.Ser894Thr (NM_001349204.2, NM_001349205.2); c.2770T>A, p.Ser924Thr (NM_001349207.2); c.2719T>A, p.Ser907Thr (NM_001349208.2); short protein forms S858T, S893T, S924T, S894T, S907T, S943T, S864T, S884T.
Identifiers: ClinVar variation 453067 (VCV000453067.3), dbSNP rs199602098, ClinGen allele CA345860848.

ClinVar aggregate classification (germline): Uncertain significance. Review status: criteria provided, multiple submitters, no conflicts (2 of 4 stars). 2 submissions from 2 submitters: Uncertain significance (2). Last evaluated 2024-03-08.

Conditions:
Myoglobinuria, acute recurrent, autosomal recessive. Also called: MYOGLOBINURIA, FAMILIAL PAROXYSMAL PARALYTIC; RHABDOMYOLYSIS, ACUTE RECURRENT; Myoglobinuria, recurrent, autosomal recessive. Identifiers: Orphanet 99845, MedGen C1849386, MONDO:0009992, OMIM 268200.

Submissions (2):

Fulgent Genetics
Classification: Uncertain significance for Myoglobinuria, acute recurrent, autosomal recessive. Last evaluated: 2024-03-08. Review status: criteria provided, single submitter. Criteria: ACMG Guidelines, 2015. Collection method: clinical testing. Allele origin: germline.

GeneDx
Classification: Uncertain significance. Last evaluated: 2017-10-30. Review status: criteria provided, single submitter. Criteria: GeneDx Variant Classification (06012015). Collection method: clinical testing. Allele origin: germline. Affected: yes.
Comment: The S858T variant has not been published as a pathogenic variant, nor has it been reported as a benign variant to our knowledge. The S858T variant is not observed in large population cohorts (Lek et al., 2016). The S858T variant is a conservative amino acid substitution, which is not likely to impact secondary protein structure as these residues share similar properties. This substitution occurs at a position that is conserved in mammals. In silico analysis is inconsistent in its predictions as to whether or not the variant is damaging to the protein structure/function. In summary, based on the currently available information, it is unclear whether this variant is a pathogenic variant or a rare benign variant.